The following is an entry in ClinVar:

ClinVar aggregate classification (germline): Uncertain significance (1 of 4 stars; one submission).

Conditions:
Cranioectodermal dysplasia 2 (CED2). Identifiers: Orphanet 1515, MedGen C3150874, MONDO:0013323, OMIM 613610.
Short-rib thoracic dysplasia 7 with or without polydactyly (SRTD7). Also called: Short rib polydactyly syndrome 5; SHORT-RIB THORACIC DYSPLASIA 7 WITH POLYDACTYLY. Identifiers: Orphanet 498497, Orphanet 93271, MedGen C3279792, MONDO:0013569, OMIM 614091.

Allele frequency attached by ClinVar (database versions not stated): gnomAD 0.00001.

Submission:

Labcorp Genetics (formerly Invitae), Labcorp
Classification: Uncertain significance for Cranioectodermal dysplasia 2; Short-rib thoracic dysplasia 7 with or without polydactyly. Last evaluated: 2021-04-22. Review status: criteria provided, single submitter. Criteria: Invitae Variant Classification Sherloc (09022015). Collection method: clinical testing. Allele origin: germline.
Comment: This sequence change replaces glutamic acid with lysine at codon 1125 of the WDR35 protein (p.Glu1125Lys). The glutamic acid residue is weakly conserved and there is a small physicochemical difference between glutamic acid and lysine. This variant is not present in population databases (ExAC no frequency). This variant has not been reported in the literature in individuals with WDR35-related conditions. Algorithms developed to predict the effect of missense changes on protein structure and function (SIFT, PolyPhen-2, Align-GVGD) all suggest that this variant is likely to be tolerated, but these predictions have not been confirmed by published functional studies and their clinical significance is uncertain. In summary, the available evidence is currently insufficient to determine the role of this variant in disease. Therefore, it has been classified as a Variant of Uncertain Significance.

NM_020779.4(WDR35):c.3340G>A (p.Glu1114Lys)

Gene: WDR35 (WD repeat domain 35; minus strand). Cytogenetic location: 2p24.1.
Variant type: single nucleotide variant.
Coding change: c.3340G>A on transcript NM_020779.4 (MANE Select); coding-DNA position 3340, G replaced by A.
Protein change: p.Glu1114Lys; replaces glutamic acid 1114 with lysine.
Molecular consequence: missense variant.
Genome position (GRCh38, 1-based): chr2:19,914,059, C>T on the plus strand (G>A on the coding strand, the complement: WDR35 is on the minus strand). VCF-style: chr2-19914059-C-T. GRCh37 (hg19) VCF-style: chr2-20113820-C-T.
Other names: c.3373G>A, p.Glu1125Lys (NM_001006657.2); short protein forms E1114K, E1125K.
Identifiers: ClinVar variation 1423117 (VCV001423117.8), dbSNP rs2103378015, ClinGen allele CA346230982.